The following is an entry in ClinVar:

NM_000069.3(CACNA1S):c.258G>C (p.Leu86=)

Gene: CACNA1S (calcium voltage-gated channel subunit alpha1 S; minus strand). Cytogenetic location: 1q32.1.
Variant type: single nucleotide variant.
Coding change: c.258G>C on transcript NM_000069.3 (MANE Select); coding-DNA position 258, G replaced by C.
Protein change: p.Leu86=; no amino-acid change (leucine 86 retained).
Molecular consequence: synonymous variant.
Genome position (GRCh38, 1-based): chr1:201,110,164, C>G on the plus strand (G>C on the coding strand, the complement: CACNA1S is on the minus strand). VCF-style: chr1-201110164-C-G. GRCh37 (hg19) VCF-style: chr1-201079292-C-G.
Identifiers: ClinVar variation 3074160 (VCV003074160.1), dbSNP rs766840697, ClinGen allele CA422697191.
Genomic context (GRCh38, chr1:201,110,164, plus strand): 5'-GGCCTCCCCAAGCCTGGGGCTGCAGGCTCGCAGGAAGGGAGATGGAAGGGCCAATCTTAC[C>G]AGGCCGAGGTTCAGAGAGTTGTTGTCATCTTCCGGCATGGGCAGGTACACGGCCAGGGCC-3'
Protein context (NP_000060.2, residues 76-96): EDDNNSLNLG[Leu86=]EKLEYFFLIV

ClinVar aggregate classification (germline): Likely benign (1 of 4 stars; one submission).

Conditions:
Malignant hyperthermia, susceptibility to, 5 (MHS5). Also called: CACNA1S-Related Malignant Hyperthermia Susceptibility. Identifiers: Orphanet 423, MedGen C1866077, MONDO:0011163, OMIM 601887.

Submission:

All of Us Research Program, National Institutes of Health
Classification: Likely benign for Malignant hyperthermia, susceptibility to, 5. Last evaluated: 2023-10-23. Review status: criteria provided, single submitter. Criteria: ACMG Guidelines, 2015. Collection method: clinical testing. Allele origin: germline. Inheritance: Autosomal dominant inheritance. Observed: 1 variant allele, 1 heterozygote.
Comment: This study involves interpretation of variants in research participants for the purpose of population health screening. Participant phenotype was not available at the time of variant classification. Additional details can be found in publication PMID: 35346344, PMCID: PMC8962531